The following is an entry in ClinVar:

ClinVar aggregate classification (germline): Uncertain significance (1 of 4 stars; one submission).

Allele frequency attached by ClinVar (database versions not stated): gnomAD exomes below 0.00001; TOPMed 0.00001; ExAC 0.00002; 1000 Genomes Project 30x 0.00016; 1000 Genomes Project 0.00020.

Submission:

Labcorp Genetics (formerly Invitae), Labcorp
Classification: Uncertain significance. Last evaluated: 2024-10-25. Review status: criteria provided, single submitter. Criteria: Invitae Variant Classification Sherloc (09022015). Collection method: clinical testing. Allele origin: germline.
Comment: This sequence change replaces tyrosine, which is neutral and polar, with cysteine, which is neutral and slightly polar, at codon 422 of the ARHGEF10 protein (p.Tyr422Cys). This variant is present in population databases (rs576293315, gnomAD 0.005%). This variant has not been reported in the literature in individuals affected with ARHGEF10-related conditions. Invitae Evidence Modeling of protein sequence and biophysical properties (such as structural, functional, and spatial information, amino acid conservation, physicochemical variation, residue mobility, and thermodynamic stability) indicates that this missense variant is expected to disrupt ARHGEF10 protein function with a positive predictive value of 80%. In summary, the available evidence is currently insufficient to determine the role of this variant in disease. Therefore, it has been classified as a Variant of Uncertain Significance.

NM_014629.4(ARHGEF10):c.1265A>G (p.Tyr422Cys)

Gene: ARHGEF10 (Rho guanine nucleotide exchange factor 10; plus strand). Cytogenetic location: 8p23.3.
Variant type: single nucleotide variant.
Coding change: c.1265A>G on transcript NM_014629.4 (MANE Select); coding-DNA position 1265, A replaced by G.
Protein change: p.Tyr422Cys; replaces tyrosine 422 with cysteine.
Molecular consequence: missense variant.
Genome position (GRCh38, 1-based): chr8:1,894,397, A>G. VCF-style: chr8-1894397-A-G. GRCh37 (hg19) VCF-style: chr8-1842563-A-G.
Other names: c.1151A>G, p.Tyr384Cys (NM_001308152.2); c.1268A>G, p.Tyr423Cys (NM_001308153.3); short protein forms Y422C, Y447C, Y384C, Y423C.
Identifiers: ClinVar variation 2888183 (VCV002888183.3), dbSNP rs576293315, ClinGen allele CA4600312.
Genomic context (GRCh38, chr8:1,894,397, plus strand): 5'-AAGACCCAGGCTCTGAAAAAGAAAAGTCTGAACTGTCTTTGCTCATTTTGTCTTAGCAAT[A>G]TGAGAAGCCGCTGTCTGAGATGGAGCCAAAGGTTCTGAGTGAGAGGAAGCTGAAGACGGT-3'
Protein context (NP_055444.2, residues 412-432): VDALKRILEQ[Tyr422Cys]EKPLSEMEPK